The following is an entry in ClinVar:

NM_006015.6(ARID1A):c.2752A>G (p.Met918Val)

Gene: ARID1A (AT-rich interaction domain 1A; plus strand). Cytogenetic location: 1p36.11.
Variant type: single nucleotide variant.
Coding change: c.2752A>G on transcript NM_006015.6 (MANE Select); coding-DNA position 2752, A replaced by G.
Protein change: p.Met918Val; replaces methionine 918 with valine.
Molecular consequence: missense variant.
Genome position (GRCh38, 1-based): chr1:26,766,240, A>G. VCF-style: chr1-26766240-A-G. GRCh37 (hg19) VCF-style: chr1-27092731-A-G.
Other names: c.2752A>G, p.Met918Val (NM_139135.4); short protein forms M918V.
Identifiers: ClinVar variation 2741695 (VCV002741695.5), dbSNP rs141432631, ClinGen allele CA707069.

ClinVar aggregate classification (germline): Conflicting classifications of pathogenicity. Review status: criteria provided, conflicting classifications (1 of 4 stars). 2 submissions from 2 submitters: Uncertain significance (1); Likely benign (1). Last evaluated 2024-12-11.

Conditions:
Inborn genetic diseases. Identifiers: MedGen C0950123, MeSH D030342.

Allele frequency attached by ClinVar (database versions not stated): ExAC 0.00002; gnomAD exomes 0.00002; TOPMed 0.00002; gnomAD 0.00003; ESP Exome Variant Server 0.00008.

Submissions (3):

Ambry Genetics
Classification: Likely benign for Inborn genetic diseases. Last evaluated: 2024-12-11. Review status: criteria provided, single submitter. Criteria: Ambry Variant Classification Scheme 2023. Collection method: clinical testing. Allele origin: germline.

Labcorp Genetics (formerly Invitae), Labcorp
Classification: Uncertain significance. Last evaluated: 2024-03-02. Review status: criteria provided, single submitter. Criteria: Invitae Variant Classification Sherloc (09022015). Collection method: clinical testing. Allele origin: germline.
Comment: This sequence change replaces methionine, which is neutral and non-polar, with valine, which is neutral and non-polar, at codon 918 of the ARID1A protein (p.Met918Val). This variant is present in population databases (rs141432631, gnomAD 0.005%). This variant has not been reported in the literature in individuals affected with ARID1A-related conditions. Advanced modeling of protein sequence and biophysical properties (such as structural, functional, and spatial information, amino acid conservation, physicochemical variation, residue mobility, and thermodynamic stability) performed at Invitae indicates that this missense variant is not expected to disrupt ARID1A protein function with a negative predictive value of 80%. In summary, the available evidence is currently insufficient to determine the role of this variant in disease. Therefore, it has been classified as a Variant of Uncertain Significance.

Dr. Peter K. Rogan Lab, Western University
No classification provided (evidence only). Condition: Nonpapillary renal cell carcinoma. Review status: no classification provided. Collection method: in vitro. Allele origin: not applicable. Functional consequence: retained intron. Not counted in ClinVar's aggregate classification.